The following is an entry in ClinVar:

ClinVar aggregate classification (germline): Likely benign. Review status: criteria provided, multiple submitters, no conflicts (2 of 4 stars). 3 submissions from 3 submitters: Likely benign (2). 1 of the submissions does not count toward it. Last evaluated 2026-03-01.

Conditions:
IARS1-related disorder. Also called: IARS1-related condition.

Allele frequency attached by ClinVar (database versions not stated): ExAC 0.00037; ESP Exome Variant Server 0.00038; gnomAD exomes 0.00040; gnomAD 0.00041; TOPMed 0.00045.
gnomAD v4.1: 672 of 1,614,012 alleles (0.042%); highest among the groups gnomAD compares: Middle Eastern, 0.23%; 1 homozygote.

Submissions (3):

CeGaT Center for Human Genetics Tuebingen
Classification: Likely benign. Last evaluated: 2026-03-01. Review status: criteria provided, single submitter. Criteria: CeGaT Center For Human Genetics Tuebingen Variant Classification Criteria Version 2. Collection method: clinical testing. Allele origin: germline. Affected: yes. Observed: 3 variant alleles.
Comment: IARS1: BP4, BP7

Labcorp Genetics (formerly Invitae), Labcorp
Classification: Likely benign. Last evaluated: 2026-01-06. Review status: criteria provided, single submitter. Criteria: Invitae Variant Classification Sherloc (09022015). Collection method: clinical testing. Allele origin: germline.

PreventionGenetics, part of Exact Sciences
Classification: Likely benign for IARS1-related condition. Last evaluated: 2019-05-08. Review status: no assertion criteria provided. Collection method: clinical testing. Allele origin: germline. Not counted in ClinVar's aggregate classification.
Comment: This variant is classified as likely benign based on ACMG/AMP sequence variant interpretation guidelines (Richards et al. 2015 PMID: 25741868, with internal and published modifications).

NM_002161.6(IARS1):c.1623G>A (p.Pro541=)

Gene: IARS1 (isoleucyl-tRNA synthetase 1; minus strand). Cytogenetic location: 9q22.31.
Variant type: single nucleotide variant.
Coding change: c.1623G>A on transcript NM_002161.6 (MANE Select); coding-DNA position 1623, G replaced by A.
Protein change: p.Pro541=; no amino-acid change (proline 541 retained).
Molecular consequence: synonymous variant. On other transcripts: non-coding transcript variant (1).
Genome position (GRCh38, 1-based): chr9:92,265,006, C>T on the plus strand (G>A on the coding strand, the complement: IARS1 is on the minus strand). VCF-style: chr9-92265006-C-T. GRCh37 (hg19) VCF-style: chr9-95027288-C-T.
Other names: c.1623G>A (NM_002161.5); c.1623G>A, p.Pro541= (NM_001374299.1, NM_001374300.1, NM_001374301.1 and 14 more transcripts); c.1686G>A, p.Pro562= (NM_001378569.1); c.1644G>A, p.Pro548= (NM_001378571.1); c.1500G>A, p.Pro500= (NM_001378583.1).
Identifiers: ClinVar variation 2041408 (VCV002041408.20), dbSNP rs148687253, ClinGen allele CA5122563.